The following is an entry in ClinVar:

NM_199242.3(UNC13D):c.1596+36A>G

Gene: UNC13D (unc-13 homolog D; minus strand). Cytogenetic location: 17q25.1.
Variant type: single nucleotide variant.
Coding change: c.1596+36A>G on transcript NM_199242.3 (MANE Select); 36 bases into the intron after coding-DNA position 1596, A replaced by G.
Molecular consequence: intron variant.
Genome position (GRCh38, 1-based): chr17:75,835,819, T>C on the plus strand (A>G on the coding strand, the complement: UNC13D is on the minus strand). VCF-style: chr17-75835819-T-C. GRCh37 (hg19) VCF-style: chr17-73831900-T-C.
Identifiers: ClinVar variation 263215 (VCV000263215.7), dbSNP rs3744026, ClinGen allele CA8772887.

ClinVar aggregate classification (germline): Benign. Review status: criteria provided, multiple submitters, no conflicts (2 of 4 stars). 4 submissions from 4 submitters: Benign (4). Last evaluated 2024-01-24.

Allele frequency attached by ClinVar (database versions not stated): ESP Exome Variant Server 0.24481; 1000 Genomes Project 0.30831; gnomAD exomes 0.09219 and 0.14117; 1000 Genomes Project 30x 0.31215; ExAC 0.15252; gnomAD 0.23266 and 0.23763; TOPMed 0.25433.
gnomAD v4.1: 172,289 of 1,613,888 alleles (11%); highest among the groups gnomAD compares: African/African-American, 59%; 21,362 homozygotes.

Submissions (4):

Unidad de Genómica Garrahan, Hospital de Pediatría Garrahan
Classification: Benign. Last evaluated: 2024-01-24. Review status: criteria provided, single submitter. Criteria: ACMG Guidelines, 2015. Collection method: clinical testing. Allele origin: germline. Affected: no. Observed: 18 variant alleles.
Comment: This variant is classified as Benign based on local population frequency. This variant was detected in 20% of patients studied by a panel of primary immunodeficiencies. Number of patients: 18. Only high quality variants are reported.

GeneDx
Classification: Benign. Last evaluated: 2018-11-12. Review status: criteria provided, single submitter. Criteria: GeneDx Variant Classification Process June 2021. Collection method: clinical testing. Allele origin: germline. Affected: yes.

Breakthrough Genomics
Classification: Benign. Review status: criteria provided, single submitter. Criteria: ACMG Guidelines, 2015. Collection method: not provided. Allele origin: germline. Inheritance: Autosomal recessive inheritance. Affected: yes.

PreventionGenetics, part of Exact Sciences
Classification: Benign. Review status: criteria provided, single submitter. Criteria: ACMG Guidelines, 2015. Collection method: clinical testing. Allele origin: germline.